The following is an entry in ClinVar:

ClinVar aggregate classification (germline): Conflicting classifications of pathogenicity. Review status: criteria provided, conflicting classifications (1 of 4 stars). 4 submissions from 4 submitters: Likely pathogenic (2); Uncertain significance (2). Last evaluated 2025-10-26.

Conditions:
Hereditary spastic paraplegia 35. Also called: Spastic paraplegia 35; SPASTIC PARAPLEGIA 35, AUTOSOMAL RECESSIVE, WITH OR WITHOUT NEURODEGENERATION; LEUKODYSTROPHY, DYSMYELINATING, AND SPASTIC PARAPARESIS WITH OR WITHOUT DYSTONIA; Spastic paraplegia 35, autosomal recessive. Identifiers: Orphanet 171629, MedGen C3496228, MONDO:0012866, OMIM 612319.

Allele frequency attached by ClinVar (database versions not stated): gnomAD exomes below 0.00001.
gnomAD v4.1: 4 of 1,613,962 alleles (0.00025%); highest among the groups gnomAD compares: Non-Finnish European, 0.00025%; no homozygotes.

Submissions (4):

3billion
Classification: Uncertain significance for Hereditary spastic paraplegia 35. Last evaluated: 2025-10-26. Review status: criteria provided, single submitter. Criteria: ACMG Guidelines, 2015. Collection method: clinical testing. Allele origin: germline. Affected: yes.
Comment: The variant is observed at an extremely low frequency in the gnomAD v4.1.0 dataset (total allele frequency: <0.001%). Predicted Consequence/Location: Missense variant In silico tool predictions suggest damaging effect of the variant on gene or gene product [REVEL: 0.81 (>=0.6, sensitivity 0.68 and specificity 0.92); 3Cnet: 0.96 (> 0.75, sensitivity 0.96 and precision 0.92)]. The same nucleotide change resulting in the same amino acid change has been previously reported to be associated with FA2H-related disorder (ClinVar ID: VCV003065108 /PMID: 23566484). However, the evidence of pathogenicity is insufficient at this time. Therefore, this variant is classified as VUS according to the recommendation of ACMG/AMP guideline.

Fulgent Genetics
Classification: Likely pathogenic for Hereditary spastic paraplegia 35. Last evaluated: 2024-04-26. Review status: criteria provided, single submitter. Criteria: ACMG Guidelines, 2015. Collection method: clinical testing. Allele origin: germline.

Women's Health and Genetics/Laboratory Corporation of America, LabCorp
Classification: Likely pathogenic for Hereditary spastic paraplegia 35. Last evaluated: 2024-04-24. Review status: criteria provided, single submitter. Criteria: LabCorp Variant Classification Summary - May 2015. Collection method: clinical testing. Allele origin: germline.
Comment: Variant summary: FA2H c.688G>A (p.Glu230Lys) results in a conservative amino acid change located in the Fatty acid hydroxylase (IPR006694) of the encoded protein sequence. Three of five in-silico tools predict a damaging effect of the variant on protein function. The variant allele was found at a frequency of 4e-06 in 251198 control chromosomes. c.688G>A has been reported in the literature in at-least four individuals affected with Hereditary Spastic Paraplegia (Cao_2020,5. Wang_2022, Xie_2020). These data indicate that the variant is likely to be associated with disease. To our knowledge, no experimental evidence demonstrating an impact on protein function has been reported. The following publications have been ascertained in the context of this evaluation (PMID: 23566484, 36109173, 32619247). ClinVar contains an entry for this variant (Variation ID: 3065108). Based on the evidence outlined above, the variant was classified as likely pathogenic.

Genomic Medicine Center of Excellence, King Faisal Specialist Hospital and Research Centre
Classification: Uncertain significance for Hereditary spastic paraplegia 35. Last evaluated: 2024-03-26. Review status: criteria provided, single submitter. Criteria: ACMG Guidelines, 2015. Collection method: clinical testing. Allele origin: germline.

Literature cited by the submitters: PubMed 23566484 (cited by 3billion and Women's Health and Genetics/Laboratory Corporation of America, LabCorp); PubMed 36109173 (cited by Women's Health and Genetics/Laboratory Corporation of America, LabCorp); PubMed 32619247 (cited by Women's Health and Genetics/Laboratory Corporation of America, LabCorp).

NM_024306.5(FA2H):c.688G>A (p.Glu230Lys)

Gene: FA2H (fatty acid 2-hydroxylase; minus strand). Cytogenetic location: 16q23.1.
Variant type: single nucleotide variant.
Coding change: c.688G>A on transcript NM_024306.5 (MANE Select); coding-DNA position 688, G replaced by A.
Protein change: p.Glu230Lys; replaces glutamic acid 230 with lysine.
Molecular consequence: missense variant.
Genome position (GRCh38, 1-based): chr16:74,719,086, C>T on the plus strand (G>A on the coding strand, the complement: FA2H is on the minus strand). VCF-style: chr16-74719086-C-T. GRCh37 (hg19) VCF-style: chr16-74752984-C-T.
Other names: short protein forms E230K.
Identifiers: ClinVar variation 3065108 (VCV003065108.4), dbSNP rs1251854904, ClinGen allele CA396769571.
Genomic context (GRCh38, chr16:74,719,086, plus strand): 5'-TGAGGTAATAGCTGTCGCTGGGGGGCTTCATGTGGAACAGGAAGCGGTGGATGAGGTACT[C>T]GATGAGGCTCCAGAGGAATGTCCCCAGCATGAAGAGCCCGGGGAACATGGACTTGGGCAC-3'
Protein context (NP_077282.3, residues 220-240): MLGTFLWSLI[Glu230Lys]YLIHRFLFHM